The following is an entry in ClinVar:

NM_201384.3(PLEC):c.2178+18C>T

Gene: PLEC (plectin; minus strand). Cytogenetic location: 8q24.3.
Variant type: single nucleotide variant.
Coding change: c.2178+18C>T on transcript NM_201384.3 (MANE Select); 18 bases into the intron after coding-DNA position 2178, C replaced by T.
Molecular consequence: intron variant.
Genome position (GRCh38, 1-based): chr8:143,931,919, G>A on the plus strand (C>T on the coding strand, the complement: PLEC is on the minus strand). VCF-style: chr8-143931919-G-A. GRCh37 (hg19) VCF-style: chr8-145006087-G-A.
Other names: c.2259+18C>T (NM_000445.5); c.2136+18C>T (NM_201378.4); c.2112+18C>T (NM_201379.3); c.2589+18C>T (NM_201380.4); c.2082+18C>T (NM_201381.3); c.2178+18C>T (NM_201382.4); c.2190+18C>T (NM_201383.3).
Identifiers: ClinVar variation 512981 (VCV000512981.1), dbSNP rs1554715857, ClinGen allele CA658797170.
Genomic context (GRCh38, chr8:143,931,919, plus strand): 5'-TTGGAGCTGCCGAGGGGGTCCAGGGGCTCCTGCAAGGCTGCCGCTGAGCCACAGTGCGGA[G>A]GGGGCTCCGGTTCTCACCTGAAAGTAGGCAGCGTTCTCCTTCAGGTGTGCCTCGATACAG-3'

ClinVar aggregate classification (germline): Likely benign (1 of 4 stars; one submission).

gnomAD v4.1: 5 of 1,593,228 alleles (0.00031%); highest among the groups gnomAD compares: Non-Finnish European, 0.00034%; no homozygotes.

Submission:

GeneDx
Classification: Likely benign. Last evaluated: 2017-11-02. Review status: criteria provided, single submitter. Criteria: GeneDx Variant Classification (06012015). Collection method: clinical testing. Allele origin: germline. Affected: yes.
Comment: This variant is considered likely benign or benign based on one or more of the following criteria: it is a conservative change, it occurs at a poorly conserved position in the protein, it is predicted to be benign by multiple in silico algorithms, and/or has population frequency not consistent with disease.